The following is an entry in ClinVar:

ClinVar aggregate classification (germline): Pathogenic (1 of 4 stars; one submission).

Submission:

ISCA site 14
Classification: Pathogenic. Last evaluated: 2011-08-12. Review status: criteria provided, single submitter. Criteria: Kaminsky et al. (Genet Med. 2011). Collection method: clinical testing. Allele origin: de novo. Affected: yes. Observed: 1 variant allele.
Comment: Copy number variation identified through the course of routine clinical cytogenomic testing in postnatal populations. Clinical assertions have been curated as described in Kaminsky et al. 2011.

GRCh38/hg38 11q12.3(chr11:62433886-63096003)x3

Genes: AHNAK (AHNAK nucleoprotein; minus strand), B3GAT3 (beta-1,3-glucuronyltransferase 3; minus strand), BSCL2 (BSCL2 lipid droplet biogenesis associated, seipin; minus strand), C11orf98 (chromosome 11 open reading frame 98; minus strand), CHRM1 (cholinergic receptor muscarinic 1; minus strand) and 104 more. Cytogenetic location: 11q12.3.
Variant type: copy number gain.
Change: copy number 3 (three copies instead of two) of chr11:62,433,886-63,096,003 (662.1 kb, GRCh38 coordinates, 1-based), cytogenetic band 11q12.3.
Identifiers: ClinVar variation 59754 (VCV000059754.1).